The following is an entry in ClinVar:

ClinVar aggregate classification (germline): Uncertain significance. Review status: criteria provided, multiple submitters, no conflicts (2 of 4 stars). 2 submissions from 2 submitters: Uncertain significance (2). Last evaluated 2024-08-12.

Conditions:
Hereditary cancer-predisposing syndrome. Also called: Tumor predisposition; Hereditary Cancer Syndrome; Neoplastic Syndromes, Hereditary; Hereditary neoplastic syndrome. Identifiers: Orphanet 140162, MedGen C0027672, MeSH D009386, MONDO:0015356.

Submissions (2):

Ambry Genetics
Classification: Uncertain significance for Hereditary cancer-predisposing syndrome. Last evaluated: 2024-08-12. Review status: criteria provided, single submitter. Criteria: Ambry Variant Classification Scheme 2023. Collection method: clinical testing. Allele origin: germline.
Comment: The p.A299T variant (also known as c.895G>A), located in coding exon 5 of the MSH3 gene, results from a G to A substitution at nucleotide position 895. The alanine at codon 299 is replaced by threonine, an amino acid with similar properties. This amino acid position is well conserved in available vertebrate species. In addition, the in silico prediction for this alteration is inconclusive. Since supporting evidence is limited at this time, the clinical significance of this alteration remains unclear.

Labcorp Genetics (formerly Invitae), Labcorp
Classification: Uncertain significance. Last evaluated: 2023-07-16. Review status: criteria provided, single submitter. Criteria: Invitae Variant Classification Sherloc (09022015). Collection method: clinical testing. Allele origin: germline.
Comment: This variant is not present in population databases (gnomAD no frequency). An algorithm developed to predict the effect of missense changes on protein structure and function (PolyPhen-2) suggests that this variant is likely to be disruptive. ClinVar contains an entry for this variant (Variation ID: 822845). This variant has not been reported in the literature in individuals affected with MSH3-related conditions. This sequence change replaces alanine, which is neutral and non-polar, with threonine, which is neutral and polar, at codon 299 of the MSH3 protein (p.Ala299Thr). In summary, the available evidence is currently insufficient to determine the role of this variant in disease. Therefore, it has been classified as a Variant of Uncertain Significance.

NM_002439.5(MSH3):c.895G>A (p.Ala299Thr)

Gene: MSH3 (mutS homolog 3; plus strand). Cytogenetic location: 5q14.1.
Variant type: single nucleotide variant.
Coding change: c.895G>A on transcript NM_002439.5 (MANE Select); coding-DNA position 895, G replaced by A.
Protein change: p.Ala299Thr; replaces alanine 299 with threonine.
Molecular consequence: missense variant.
Genome position (GRCh38, 1-based): chr5:80,672,346, G>A. VCF-style: chr5-80672346-G-A. GRCh37 (hg19) VCF-style: chr5-79968165-G-A.
Other names: short protein forms A299T.
Identifiers: ClinVar variation 822845 (VCV000822845.13), dbSNP rs1580551910, ClinGen allele CA360267266.
Genomic context (GRCh38, chr5:80,672,346, plus strand): 5'-AACTTTATGACAGCAAGTATACCTACTCACAGACTGTTTGTTCATGTACGCCGCCTGGTG[G>A]CAAAAGGATATAAGGTCAGCTTTGGCTTTAACTTGTGGGGAAAGGAAATTGGGATTCTCC-3'
Protein context (NP_002430.3, residues 289-309): RLFVHVRRLV[Ala299Thr]KGYKVGVVKQ